The following is an entry in ClinVar:

ClinVar aggregate classification (germline): Uncertain significance (1 of 4 stars; one submission).

Conditions:
Shprintzen-Goldberg syndrome (SGS). Also called: Marfanoid disorder with craniosynostosis type 1; Marfanoid craniosynostosis syndrome; Shprintzen-Goldberg marfanoid syndrome; SHPRINTZEN-GOLDBERG CRANIOSYNOSTOSIS SYNDROME; CRANIOSYNOSTOSIS WITH ARACHNODACTYLY AND ABDOMINAL HERNIAS. Identifiers: Orphanet 2462, MedGen C1321551, MONDO:0008426, OMIM 182212.

Submission:

Labcorp Genetics (formerly Invitae), Labcorp
Classification: Uncertain significance for Shprintzen-Goldberg syndrome. Last evaluated: 2023-04-09. Review status: criteria provided, single submitter. Criteria: Invitae Variant Classification Sherloc (09022015). Collection method: clinical testing. Allele origin: germline.
Comment: Information on the frequency of this variant in the gnomAD database is not available, as this variant may be reported differently in the database. This sequence change replaces alanine, which is neutral and non-polar, with proline, which is neutral and non-polar, at codon 66 of the SKI protein (p.Ala66Pro). This variant has not been reported in the literature in individuals affected with SKI-related conditions. In summary, the available evidence is currently insufficient to determine the role of this variant in disease. Therefore, it has been classified as a Variant of Uncertain Significance. Experimental studies and prediction algorithms are not available or were not evaluated, and the functional significance of this variant is currently unknown.

NM_003036.4(SKI):c.195_196delinsAC (p.Ala66Pro)

Gene: SKI (SKI proto-oncogene; plus strand). Cytogenetic location: 1p36.33.
Variant type: Indel.
Coding change: c.195_196delinsAC on transcript NM_003036.4 (MANE Select); coding-DNA positions 195 to 196, CG replaced by AC.
Protein change: p.Ala66Pro; replaces alanine 66 with proline.
Molecular consequence: missense variant.
Genome position (GRCh38, 1-based): chr1:2,228,961-2,228,962, CG replaced by AC. VCF-style: chr1-2228961-CG-AC. GRCh37 (hg19) VCF-style: chr1-2160400-CG-AC.
Other names: short protein forms A66P.
Identifiers: ClinVar variation 2741303 (VCV002741303.3), dbSNP rs2527576254, ClinGen allele CA2697552045.